The following is an entry in ClinVar:

NM_002317.7(LOX):c.1219G>A (p.Ala407Thr)

Genes: LOX (lysyl oxidase; minus strand), SRFBP1 (serum response factor binding protein 1; plus strand). Cytogenetic location: 5q23.1.
Variant type: single nucleotide variant.
Coding change: c.1219G>A on transcript NM_002317.7 (MANE Select); coding-DNA position 1219, G replaced by A.
Protein change: p.Ala407Thr; replaces alanine 407 with threonine.
Molecular consequence: missense variant.
Genome position (GRCh38, 1-based): chr5:122,070,081, C>T on the plus strand (G>A on the coding strand, the complement: LOX is on the minus strand). VCF-style: chr5-122070081-C-T. GRCh37 (hg19) VCF-style: chr5-121405776-C-T.
Other names: c.529G>A, p.Ala177Thr (NM_001178102.2); c.328G>A, p.Ala110Thr (NM_001317073.1); short protein forms A177T, A110T, A407T.
Identifiers: ClinVar variation 1752483 (VCV001752483.2), dbSNP rs764756171, ClinGen allele CA3383815.

ClinVar aggregate classification (germline): Uncertain significance (1 of 4 stars; one submission).

Conditions:
Cardiovascular phenotype. Identifiers: MedGen CN230736.

Allele frequency attached by ClinVar (database versions not stated): gnomAD exomes below 0.00001; TOPMed below 0.00001; gnomAD 0.00001; ExAC 0.00002.
gnomAD v4.1: 3 of 1,612,582 alleles (0.00019%); highest among the groups gnomAD compares: Non-Finnish European, 0.00025%; no homozygotes.

Submission:

Ambry Genetics
Classification: Uncertain significance for Cardiovascular phenotype. Last evaluated: 2022-08-17. Review status: criteria provided, single submitter. Criteria: Ambry Variant Classification Scheme 2023. Collection method: clinical testing. Allele origin: germline.
Comment: The p.A407T variant (also known as c.1219G>A), located in coding exon 6 of the LOX gene, results from a G to A substitution at nucleotide position 1219. The alanine at codon 407 is replaced by threonine, an amino acid with similar properties. This amino acid position is conserved. In addition, the in silico prediction for this alteration is inconclusive. Since supporting evidence is limited at this time, the clinical significance of this alteration remains unclear.